The following is an entry in ClinVar:

ClinVar aggregate classification (germline): Uncertain significance (1 of 4 stars; one submission).

Conditions:
Lethal congenital glycogen storage disease of heart. Also called: GLYCOGEN STORAGE DISEASE OF HEART; PHOSPHORYLASE KINASE DEFICIENCY OF HEART. Identifiers: Orphanet 439854, MedGen C1849813, MONDO:0009867, OMIM 261740.

Submission:

Labcorp Genetics (formerly Invitae), Labcorp
Classification: Uncertain significance for Lethal congenital glycogen storage disease of heart. Last evaluated: 2021-12-27. Review status: criteria provided, single submitter. Criteria: Invitae Variant Classification Sherloc (09022015). Collection method: clinical testing. Allele origin: germline.
Comment: This sequence change affects a donor splice site in intron 11 of the PRKAG2 gene. It is expected to disrupt RNA splicing. Variants that disrupt the donor or acceptor splice site typically lead to a loss of protein function (PMID: 16199547), however the current clinical and genetic evidence is not sufficient to establish whether loss-of-function variants in PRKAG2 cause disease. In summary, the available evidence is currently insufficient to determine the role of this variant in disease. Therefore, it has been classified as a Variant of Uncertain Significance. Algorithms developed to predict the effect of sequence changes on RNA splicing suggest that this variant may disrupt the consensus splice site. This variant has not been reported in the literature in individuals affected with PRKAG2-related conditions. This variant is not present in population databases (gnomAD no frequency).

Literature cited by the submitters: PubMed 16199547.

NM_016203.4(PRKAG2):c.1233+1G>C

Gene: PRKAG2 (protein kinase AMP-activated non-catalytic subunit gamma 2; minus strand). Cytogenetic location: 7q36.1.
Variant type: single nucleotide variant.
Coding change: c.1233+1G>C on transcript NM_016203.4 (MANE Select); the canonical splice donor site of the intron after coding-DNA position 1233, G replaced by C.
Molecular consequence: splice donor variant.
Genome position (GRCh38, 1-based): chr7:151,568,715, C>G on the plus strand (G>C on the coding strand, the complement: PRKAG2 is on the minus strand). VCF-style: chr7-151568715-C-G. GRCh37 (hg19) VCF-style: chr7-151265801-C-G.
Other names: c.942+1G>C (NM_001407031.1); c.945+1G>C (NM_001407030.1); c.1230+1G>C (NM_001407023.1, NM_001407022.1); c.1233+1G>C (NM_001407021.1); c.915+1G>C (NM_001407032.1); c.1098+1G>C (NM_001407026.1, NM_001407027.1); c.1101+1G>C (NM_001040633.2, NM_001407024.1); c.909+1G>C (NM_001407033.1); and 6 more.
Identifiers: ClinVar variation 2063044 (VCV002063044.4), dbSNP rs2536327574, ClinGen allele CA370071398.
Genomic context (GRCh38, chr7:151,568,715, plus strand): 5'-GAAGTACATTATTTAATAAGTAAATGCAATTATGTCTTTAGAAACGCTAAAAACTACTTA[C>G]AAAAAGCTGGAGGAACTTGAGGATTCTTTTGTGGGTAAGTATATAAAGTGCATTCCCACT-3'